The following is an entry in ClinVar:

NM_020207.7(ERCC6L2):c.19C>G (p.Gln7Glu)

Gene: ERCC6L2 (ERCC excision repair 6 like 2; plus strand). Cytogenetic location: 9q22.32.
Variant type: single nucleotide variant.
Coding change: c.19C>G on transcript NM_020207.7 (MANE Select); coding-DNA position 19, C replaced by G.
Protein change: p.Gln7Glu; replaces glutamine 7 with glutamic acid.
Molecular consequence: missense variant. On other transcripts: non-coding transcript variant (1).
Genome position (GRCh38, 1-based): chr9:95,876,057, C>G. VCF-style: chr9-95876057-C-G. GRCh37 (hg19) VCF-style: chr9-98638339-C-G.
Other names: c.19C>G, p.Gln7Glu (NM_001010895.4, NM_001375291.1, NM_001375292.1 and 2 more transcripts); short protein forms Q7E.
Identifiers: ClinVar variation 1716475 (VCV001716475.5), dbSNP rs778926161, ClinGen allele CA374115437.
Genomic context (GRCh38, chr9:95,876,057, plus strand): 5'-GGGTGTTACATGCAGCCGGGCTCGGCCCCTCCCCCTGGCCGGATGGATCCGTCGGCGCCA[C>G]AGCCCCGCGCGGAAACCTCAGGCAAAGGTACCAGCTCCGCGCTCGCCCCTTACGCAGAGG-3'
Protein context (NP_064592.3, residues 1-17): MDPSAP[Gln7Glu]PRAETSGKDI

ClinVar aggregate classification (germline): Uncertain significance (1 of 4 stars; one submission).

Submission:

Labcorp Genetics (formerly Invitae), Labcorp
Classification: Uncertain significance. Last evaluated: 2022-08-15. Review status: criteria provided, single submitter. Criteria: Invitae Variant Classification Sherloc (09022015). Collection method: clinical testing. Allele origin: germline.
Comment: In summary, the available evidence is currently insufficient to determine the role of this variant in disease. Therefore, it has been classified as a Variant of Uncertain Significance. Algorithms developed to predict the effect of missense changes on protein structure and function output the following: SIFT: "Tolerated"; PolyPhen-2: "Not Available"; Align-GVGD: "Class C0". The glutamic acid amino acid residue is found in multiple mammalian species, which suggests that this missense change does not adversely affect protein function. This variant has not been reported in the literature in individuals affected with ERCC6L2-related conditions. This variant is not present in population databases (gnomAD no frequency). This sequence change replaces glutamine, which is neutral and polar, with glutamic acid, which is acidic and polar, at codon 18 of the ERCC6L2 protein (p.Gln18Glu).